The following is an entry in ClinVar:

NM_020041.3(SLC2A9):c.666C>T (p.Pro222=)

Gene: SLC2A9 (solute carrier family 2 member 9; minus strand). Cytogenetic location: 4p16.1.
Variant type: single nucleotide variant.
Coding change: c.666C>T on transcript NM_020041.3 (MANE Select); coding-DNA position 666, C replaced by T.
Protein change: p.Pro222=; no amino-acid change (proline 222 retained).
Molecular consequence: synonymous variant.
Genome position (GRCh38, 1-based): chr4:9,980,607, G>A on the plus strand (C>T on the coding strand, the complement: SLC2A9 is on the minus strand). VCF-style: chr4-9980607-G-A. GRCh37 (hg19) VCF-style: chr4-9982231-G-A.
Other names: c.579C>T, p.Pro193= (NM_001001290.2).
Identifiers: ClinVar variation 350234 (VCV000350234.10), dbSNP rs139449249, ClinGen allele CA2857155.

ClinVar aggregate classification (germline): Benign/Likely benign. Review status: criteria provided, multiple submitters, no conflicts (2 of 4 stars). 3 submissions from 3 submitters: Benign (1); Likely benign (2). Last evaluated 2025-09-03.

Conditions:
Hypouricemia, renal, 2. Also called: HYPOURICEMIA, RENAL, 2, AUTOSOMAL DOMINANT; HYPOURICEMIA, RENAL, 2, AUTOSOMAL RECESSIVE. Identifiers: MedGen C2677549, MONDO:0012793, OMIM 612076.

Allele frequency attached by ClinVar (database versions not stated): gnomAD 0.00010; TOPMed 0.00011; 1000 Genomes Project 30x 0.00109; 1000 Genomes Project 0.00140.
gnomAD v4.1: 1,014 of 1,614,106 alleles (0.063%); highest among the groups gnomAD compares: East Asian, 2.1%; 19 homozygotes.

Submissions (3):

Labcorp Genetics (formerly Invitae), Labcorp
Classification: Likely benign. Last evaluated: 2025-09-03. Review status: criteria provided, single submitter. Criteria: Invitae Variant Classification Sherloc (09022015). Collection method: clinical testing. Allele origin: germline.

Fulgent Genetics
Classification: Likely benign for Hypouricemia, renal, 2. Last evaluated: 2021-08-17. Review status: criteria provided, single submitter. Criteria: ACMG Guidelines, 2015. Collection method: clinical testing. Allele origin: unknown.

Illumina Laboratory Services, Illumina
Classification: Benign for Hypouricemia, renal, 2. Last evaluated: 2018-01-13. Review status: criteria provided, single submitter. Criteria: ICSL Variant Classification Criteria 13 December 2019. Collection method: clinical testing. Allele origin: germline.
Comment: This variant was observed in the ICSL laboratory as part of a predisposition screen in an ostensibly healthy population. It had not been previously curated by ICSL or reported in the Human Gene Mutation Database (HGMD: prior to June 1st, 2018), and was therefore a candidate for classification through an automated scoring system. Utilizing variant allele frequency, disease prevalence and penetrance estimates, and inheritance mode, an automated score was calculated to assess if this variant is too frequent to cause the disease. Based on the score and internal cut-off values, a variant classified as benign is not then subjected to further curation. The score for this variant resulted in a classification of benign for this disease.